The following is an entry in ClinVar:

NM_004525.3(LRP2):c.12125G>A (p.Arg4042His)

Gene: LRP2 (LDL receptor related protein 2; minus strand). Cytogenetic location: 2q31.1.
Variant type: single nucleotide variant.
Coding change: c.12125G>A on transcript NM_004525.3 (MANE Select); coding-DNA position 12125, G replaced by A.
Protein change: p.Arg4042His; replaces arginine 4042 with histidine.
Molecular consequence: missense variant.
Genome position (GRCh38, 1-based): chr2:169,156,300, C>T on the plus strand (G>A on the coding strand, the complement: LRP2 is on the minus strand). VCF-style: chr2-169156300-C-T. GRCh37 (hg19) VCF-style: chr2-170012810-C-T.
Other names: short protein forms R4042H.
Identifiers: ClinVar variation 129498 (VCV000129498.43), dbSNP rs199874294, ClinGen allele CA231244.

ClinVar aggregate classification (germline): Conflicting classifications of pathogenicity. Review status: criteria provided, conflicting classifications (1 of 4 stars). 5 submissions from 5 submitters: Uncertain significance (1); Benign (1); Likely benign (3). Last evaluated 2026-01-28.

Conditions:
Donnai-Barrow syndrome. Also called: FACIOOCULOACOUSTICORENAL SYNDROME; DBS/FOAR SYNDROME. Identifiers: Orphanet 2143, MedGen C1857277, MONDO:0009104, OMIM 222448.

Allele frequency attached by ClinVar (database versions not stated): ESP Exome Variant Server 0.00015; TOPMed 0.00018; ExAC 0.00120; 1000 Genomes Project 30x 0.00172; 1000 Genomes Project 0.00200.
gnomAD v4.1: 823 of 1,613,718 alleles (0.051%); highest among the groups gnomAD compares: South Asian, 0.68%; 10 homozygotes.

Submissions (5):

Labcorp Genetics (formerly Invitae), Labcorp
Classification: Benign. Last evaluated: 2026-01-28. Review status: criteria provided, single submitter. Criteria: Invitae Variant Classification Sherloc (09022015). Collection method: clinical testing. Allele origin: germline.

CeGaT Center for Human Genetics Tuebingen
Classification: Likely benign. Last evaluated: 2023-06-01. Review status: criteria provided, single submitter. Criteria: CeGaT Center For Human Genetics Tuebingen Variant Classification Criteria Version 2. Collection method: clinical testing. Allele origin: germline. Affected: yes. Observed: 1 variant allele.
Comment: LRP2: BP4, BS2

Genome-Nilou Lab
Classification: Likely benign for Donnai-Barrow syndrome. Last evaluated: 2021-07-15. Review status: criteria provided, single submitter. Criteria: ACMG Guidelines, 2015. Collection method: clinical testing. Allele origin: germline. Affected: no.

Illumina Laboratory Services, Illumina
Classification: Likely benign for Donnai-Barrow syndrome. Last evaluated: 2018-01-12. Review status: criteria provided, single submitter. Criteria: ICSL Variant Classification Criteria 13 December 2019. Collection method: clinical testing. Allele origin: germline.
Comment: This variant was observed in the ICSL laboratory as part of a predisposition screen in an ostensibly healthy population. It had not been previously curated by ICSL or reported in the Human Gene Mutation Database (HGMD: prior to June 1st, 2018), and was therefore a candidate for classification through an automated scoring system. Utilizing variant allele frequency, disease prevalence and penetrance estimates, and inheritance mode, an automated score was calculated to assess if this variant is too frequent to cause the disease. Based on the score and internal cut-off values, a variant classified as likely benign is not then subjected to further curation. The score for this variant resulted in a classification of likely benign for this disease.

Genetic Services Laboratory, University of Chicago
Classification: Uncertain significance. Last evaluated: 2014-03-25. Review status: criteria provided, single submitter. Criteria: ACMG Guidelines, 2007. Collection method: clinical testing. Allele origin: germline. Inheritance: Autosomal recessive inheritance.